The following is an entry in ClinVar:

ClinVar aggregate classification (germline): Benign. Review status: criteria provided, multiple submitters, no conflicts (2 of 4 stars). 5 submissions from 4 submitters: Benign (5). Last evaluated 2025-12-23.

Conditions:
Acrokeratosis verruciformis of Hopf (AKV). Also called: Acrokeratosis verruciformis; HOPF DISEASE. Identifiers: Orphanet 79151, MedGen C0265971, MONDO:0007048, OMIM 101900.
Keratosis follicularis (DAR). Also called: Darier disease; Darier's disease. Identifiers: Orphanet 218, MedGen C0022595, MONDO:0007417, OMIM 124200.

Allele frequency attached by ClinVar (database versions not stated): gnomAD exomes 0.00054 and 0.00137; ExAC 0.00176; gnomAD 0.00602 and 0.00647; ESP Exome Variant Server 0.00638; 1000 Genomes Project 0.00639; TOPMed 0.00670; 1000 Genomes Project 30x 0.00703.
gnomAD v4.1: 1,756 of 1,614,184 alleles (0.11%); highest among the groups gnomAD compares: African/African-American, 2.1%; 21 homozygotes.

Submissions (5):

Labcorp Genetics (formerly Invitae), Labcorp
Classification: Benign. Last evaluated: 2025-12-23. Review status: criteria provided, single submitter. Criteria: Invitae Variant Classification Sherloc (09022015). Collection method: clinical testing. Allele origin: germline.

Genome-Nilou Lab
Classification: Benign for Acrokeratosis verruciformis of Hopf. Last evaluated: 2021-12-05. Review status: criteria provided, single submitter. Criteria: ACMG Guidelines, 2015. Collection method: clinical testing. Allele origin: germline. Affected: no.

Genome-Nilou Lab
Classification: Benign for Keratosis follicularis. Last evaluated: 2021-12-05. Review status: criteria provided, single submitter. Criteria: ACMG Guidelines, 2015. Collection method: clinical testing. Allele origin: germline. Affected: no.

Illumina Laboratory Services, Illumina
Classification: Benign for Keratosis follicularis. Last evaluated: 2018-01-13. Review status: criteria provided, single submitter. Criteria: ICSL Variant Classification Criteria 13 December 2019. Collection method: clinical testing. Allele origin: germline.
Comment: This variant was observed in the ICSL laboratory as part of a predisposition screen in an ostensibly healthy population. It had not been previously curated by ICSL or reported in the Human Gene Mutation Database (HGMD: prior to June 1st, 2018), and was therefore a candidate for classification through an automated scoring system. Utilizing variant allele frequency, disease prevalence and penetrance estimates, and inheritance mode, an automated score was calculated to assess if this variant is too frequent to cause the disease. Based on the score and internal cut-off values, a variant classified as benign is not then subjected to further curation. The score for this variant resulted in a classification of benign for this disease.

Athena Diagnostics
Classification: Benign. Last evaluated: 2017-03-29. Review status: criteria provided, single submitter. Criteria: Athena Diagnostics Criteria. Collection method: clinical testing. Allele origin: germline.

NM_170665.4(ATP2A2):c.2628A>G (p.Lys876=)

Genes: ATP2A2 (ATPase sarcoplasmic/endoplasmic reticulum Ca2+ transporting 2; plus strand), LOC126861638 (MED14-independent group 3 enhancer GRCh37_chr12:110782389-110783588; plus strand). Cytogenetic location: 12q24.11.
Variant type: single nucleotide variant.
Coding change: c.2628A>G on transcript NM_170665.4 (MANE Select); coding-DNA position 2628, A replaced by G.
Protein change: p.Lys876=; no amino-acid change (lysine 876 retained).
Molecular consequence: synonymous variant.
Genome position (GRCh38, 1-based): chr12:110,345,269, A>G. VCF-style: chr12-110345269-A-G. GRCh37 (hg19) VCF-style: chr12-110783074-A-G.
Other names: c.2628A>G, p.Lys876= (NM_001681.4).
Identifiers: ClinVar variation 307183 (VCV000307183.14), dbSNP rs149324360, ClinGen allele CA6784170.